The following is an entry in ClinVar:

NM_005883.3(APC2):c.1226C>T (p.Pro409Leu)

Gene: APC2 (APC regulator of Wnt signaling pathway 2; plus strand). Cytogenetic location: 19p13.3.
Variant type: single nucleotide variant.
Coding change: c.1226C>T on transcript NM_005883.3 (MANE Select); coding-DNA position 1226, C replaced by T.
Protein change: p.Pro409Leu; replaces proline 409 with leucine.
Molecular consequence: missense variant.
Genome position (GRCh38, 1-based): chr19:1,457,983, C>T. VCF-style: chr19-1457983-C-T. GRCh37 (hg19) VCF-style: chr19-1457982-C-T.
Other names: c.1223C>T, p.Pro408Leu (NM_001351273.1); short protein forms P408L, P409L.
Identifiers: ClinVar variation 2071300 (VCV002071300.5), dbSNP rs150835778, ClinGen allele CA9045002.

ClinVar aggregate classification (germline): Uncertain significance. Review status: criteria provided, multiple submitters, no conflicts (2 of 4 stars). 3 submissions from 3 submitters: Uncertain significance (3). Last evaluated 2025-09-09.

Conditions:
Inborn genetic diseases. Identifiers: MedGen C0950123, MeSH D030342.

Allele frequency attached by ClinVar (database versions not stated): gnomAD 0.00025; ExAC 0.00031; TOPMed 0.00031; ESP Exome Variant Server 0.00039; 1000 Genomes Project 0.00040; 1000 Genomes Project 30x 0.00047.
gnomAD v4.1: 273 of 1,561,194 alleles (0.017%); highest among the groups gnomAD compares: Admixed American, 0.093%; 1 homozygote.

Submissions (3):

GeneDx
Classification: Uncertain significance. Last evaluated: 2025-09-09. Review status: criteria provided, single submitter. Criteria: GeneDx Variant Classification Process June 2021. Collection method: clinical testing. Allele origin: germline.
Comment: Has not been previously published as pathogenic or benign to our knowledge; In silico analysis supports that this missense variant has a deleterious effect on protein structure/function

Ambry Genetics
Classification: Uncertain significance for Inborn genetic diseases. Last evaluated: 2025-06-04. Review status: criteria provided, single submitter. Criteria: Ambry Variant Classification Scheme 2023. Collection method: clinical testing. Allele origin: germline.

Labcorp Genetics (formerly Invitae), Labcorp
Classification: Uncertain significance. Last evaluated: 2022-08-15. Review status: criteria provided, single submitter. Criteria: Invitae Variant Classification Sherloc (09022015). Collection method: clinical testing. Allele origin: germline.
Comment: This sequence change replaces proline, which is neutral and non-polar, with leucine, which is neutral and non-polar, at codon 409 of the APC2 protein (p.Pro409Leu). This variant is present in population databases (rs150835778, gnomAD 0.09%). This variant has not been reported in the literature in individuals affected with APC2-related conditions. Algorithms developed to predict the effect of missense changes on protein structure and function are either unavailable or do not agree on the potential impact of this missense change (SIFT: "Deleterious"; PolyPhen-2: "Probably Damaging"; Align-GVGD: "Class C0"). In summary, the available evidence is currently insufficient to determine the role of this variant in disease. Therefore, it has been classified as a Variant of Uncertain Significance.